The following is an entry in ClinVar:

NM_001079802.2(FKTN):c.*5260G>T

Gene: FKTN (fukutin; plus strand). Cytogenetic location: 9q31.2.
Variant type: single nucleotide variant.
Coding change: c.*5260G>T on transcript NM_001079802.2 (MANE Select); 5260 bases downstream of the stop codon, G replaced by T.
Molecular consequence: 3 prime UTR variant. On other transcripts: non-coding transcript variant (2).
Genome position (GRCh38, 1-based): chr9:105,640,524, G>T. VCF-style: chr9-105640524-G-T. GRCh37 (hg19) VCF-style: chr9-108402805-G-T.
Other names: c.*401G>T (NM_001198963.2); c.*5260G>T (NM_001351496.2, NM_001351497.2, NM_001351499.2 and 4 more transcripts); c.*5438G>T (NM_001351498.2).
Identifiers: ClinVar variation 364527 (VCV000364527.6), dbSNP rs2010861, ClinGen allele CA10626205.

ClinVar aggregate classification (germline): Benign/Likely benign. Review status: criteria provided, multiple submitters, no conflicts (2 of 4 stars). 3 submissions from 2 submitters: Benign (1); Likely benign (2). Last evaluated 2018-01-12.

Conditions:
Dilated cardiomyopathy 1X (CMD1X). Also called: FKTN-Related Dilated Cardiomyopathy; CARDIOMYOPATHY, DILATED, WITH MILD OR NO PROXIMAL MUSCLE WEAKNESS. Identifiers: Orphanet 154, MedGen C1969024, MONDO:0012704, OMIM 611615.
Muscular dystrophy-dystroglycanopathy (congenital with brain and eye anomalies), type A, 4 (MDDGA4). Also called: WALKER-WARBURG SYNDROME OR MUSCLE-EYE-BRAIN DISEASE, FKTN-RELATED; Walker-Warburg Syndrome, Fktn-Related; Congenital muscular dystrophy-dystroglycanopathy with brain and eye anomalies, type A4; Muscular dystrophy, congenital progressive, with mental retardation; Muscular dystrophy, congenital, with central nervous system involvement; Cerebromuscular dystrophy, Fukuyama type. Identifiers: Orphanet 272, Orphanet 588, Orphanet 899, MedGen C0410174, MONDO:0009678, OMIM 253800.

Allele frequency attached by ClinVar (database versions not stated): gnomAD 0.12264 and 0.11975; TOPMed 0.12875; 1000 Genomes Project 0.13179; gnomAD exomes 0.11753; 1000 Genomes Project 30x 0.13210.
gnomAD v4.1: 19,205 of 156,320 alleles (12%); highest among the groups gnomAD compares: Admixed American, 23%; 1,522 homozygotes.

Submissions (3):

Illumina Laboratory Services, Illumina
Classification: Likely benign for Dilated cardiomyopathy 1X. Last evaluated: 2018-01-12. Review status: criteria provided, single submitter. Criteria: ICSL Variant Classification Criteria 13 December 2019. Collection method: clinical testing. Allele origin: germline.
Comment: This variant was observed in the ICSL laboratory as part of a predisposition screen in an ostensibly healthy population. It had not been previously curated by ICSL or reported in the Human Gene Mutation Database (HGMD: prior to June 1st, 2018), and was therefore a candidate for classification through an automated scoring system. Utilizing variant allele frequency, disease prevalence and penetrance estimates, and inheritance mode, an automated score was calculated to assess if this variant is too frequent to cause the disease. Based on the score and internal cut-off values, a variant classified as likely benign is not then subjected to further curation. The score for this variant resulted in a classification of likely benign for this disease.

Illumina Laboratory Services, Illumina
Classification: Benign for Muscular dystrophy-dystroglycanopathy (congenital with brain and eye anomalies), type A, 4. Last evaluated: 2018-01-12. Review status: criteria provided, single submitter. Criteria: ICSL Variant Classification Criteria 13 December 2019. Collection method: clinical testing. Allele origin: germline.
Comment: This variant was observed in the ICSL laboratory as part of a predisposition screen in an ostensibly healthy population. It had not been previously curated by ICSL or reported in the Human Gene Mutation Database (HGMD: prior to June 1st, 2018), and was therefore a candidate for classification through an automated scoring system. Utilizing variant allele frequency, disease prevalence and penetrance estimates, and inheritance mode, an automated score was calculated to assess if this variant is too frequent to cause the disease. Based on the score and internal cut-off values, a variant classified as benign is not then subjected to further curation. The score for this variant resulted in a classification of benign for this disease.

Breakthrough Genomics
Classification: Likely benign. Review status: criteria provided, single submitter. Criteria: ACMG Guidelines, 2015. Collection method: not provided. Allele origin: germline. Inheritance: Autosomal recessive inheritance. Affected: yes.